The following is an entry in ClinVar:

NM_000465.4(BARD1):c.869A>G (p.Asp290Gly)

Gene: BARD1 (BRCA1 associated RING domain 1; minus strand). Cytogenetic location: 2q35.
Variant type: single nucleotide variant.
Coding change: c.869A>G on transcript NM_000465.4 (MANE Select); coding-DNA position 869, A replaced by G.
Protein change: p.Asp290Gly; replaces aspartic acid 290 with glycine.
Molecular consequence: missense variant. On other transcripts: non-coding transcript variant (2), intron variant (3).
Genome position (GRCh38, 1-based): chr2:214,781,005, T>C on the plus strand (A>G on the coding strand, the complement: BARD1 is on the minus strand). VCF-style: chr2-214781005-T-C. GRCh37 (hg19) VCF-style: chr2-215645729-T-C.
Other names: c.812A>G, p.Asp271Gly (NM_001282543.2); c.158+28407A>G (NM_001282548.2); c.215+16056A>G (NM_001282545.2); c.364+11292A>G (NM_001282549.2); short protein forms D290G, D271G.
Identifiers: ClinVar variation 479132 (VCV000479132.8), dbSNP rs1553622382, ClinGen allele CA350455189.

ClinVar aggregate classification (germline): Uncertain significance. Review status: criteria provided, multiple submitters, no conflicts (2 of 4 stars). 2 submissions from 2 submitters: Uncertain significance (2). Last evaluated 2025-10-27.

Conditions:
Familial cancer of breast. Also called: BREAST CANCER, FAMILIAL; hereditary breast carcinoma; Hereditary breast cancer. Identifiers: Orphanet 227535, MedGen C0346153, MONDO:0016419, OMIM 114480. Disease mechanism: loss of function.
Hereditary cancer-predisposing syndrome. Also called: Neoplastic Syndromes, Hereditary; Hereditary Cancer Syndrome; Hereditary neoplastic syndrome; Tumor predisposition. Identifiers: Orphanet 140162, MedGen C0027672, MeSH D009386, MONDO:0015356.

Submissions (2):

Labcorp Genetics (formerly Invitae), Labcorp
Classification: Uncertain significance for Familial cancer of breast. Last evaluated: 2025-10-27. Review status: criteria provided, single submitter. Criteria: Invitae Variant Classification Sherloc (09022015). Collection method: clinical testing. Allele origin: germline.
Comment: This sequence change replaces aspartic acid, which is acidic and polar, with glycine, which is neutral and non-polar, at codon 290 of the BARD1 protein (p.Asp290Gly). This variant is not present in population databases (gnomAD no frequency). This variant has not been reported in the literature in individuals affected with BARD1-related conditions. ClinVar contains an entry for this variant (Variation ID: 479132). An algorithm developed to predict the effect of missense changes on protein structure and function outputs the following: PolyPhen-2: "Benign". The glycine amino acid residue is found in multiple mammalian species, which suggests that this missense change does not adversely affect protein function. In summary, the available evidence is currently insufficient to determine the role of this variant in disease. Therefore, it has been classified as a Variant of Uncertain Significance.

Ambry Genetics
Classification: Uncertain significance for Hereditary cancer-predisposing syndrome. Last evaluated: 2021-11-24. Review status: criteria provided, single submitter. Criteria: Ambry Variant Classification Scheme 2023. Collection method: clinical testing. Allele origin: germline.
Comment: The p.D290G variant (also known as c.869A>G), located in coding exon 4 of the BARD1 gene, results from an A to G substitution at nucleotide position 869. The aspartic acid at codon 290 is replaced by glycine, an amino acid with similar properties. This amino acid position is poorly conserved in available vertebrate species. In addition, this alteration is predicted to be tolerated by in silico analysis. Since supporting evidence is limited at this time, the clinical significance of this alteration remains unclear.